The following is an entry in ClinVar:

NM_033380.3(COL4A5):c.152_153insA (p.Phe52fs)

Gene: COL4A5 (collagen type IV alpha 5 chain; plus strand). Cytogenetic location: Xq22.3.
Variant type: Insertion.
Coding change: c.152_153insA on transcript NM_033380.3 (MANE Select); coding-DNA positions 152 to 153, A inserted.
Protein change: p.Phe52fs; shifts the reading frame from phenylalanine 52.
Molecular consequence: frameshift variant.
Genome position: GRCh38 VCF-style: chrX-108559074-G-GA. GRCh37 (hg19) VCF-style: chrX-107802304-G-GA.
Other names: c.152_153insA, p.Phe52fs (NM_000495.5); short protein forms F52fs.
Identifiers: ClinVar variation 5011541 (VCV005011541.1).

ClinVar aggregate classification (germline): Pathogenic (1 of 4 stars; one submission).

Conditions:
X-linked Alport syndrome (ATS1). Also called: NEPHROPATHY AND DEAFNESS, X-LINKED; COL4A5-Related Nephropathy. Identifiers: Orphanet 63, Orphanet 88917, MedGen C4746986, MONDO:0010520, OMIM 301050.

Submission:

Myriad Genetics, Inc.
Classification: Pathogenic for X-linked Alport syndrome. Last evaluated: 2023-09-03. Review status: criteria provided, single submitter. Criteria: Myriad Autosomal Dominant, Autosomal Recessive and X-Linked Classification Criteria (2023). Collection method: clinical testing. Allele origin: unknown.
Comment: NM_000495.4(COL4A5):c.152_153insA(F52Vfs*28) is expected to be pathogenic in the context of X-linked Alport syndrome. This variant is predicted to lead to an abnormal or absent protein product due to the creation of a premature termination codon in COL4A5, a gene where loss-of-function variants are known to be pathogenic. Please note: this variant was assessed in the context of healthy population screening.